The following is an entry in ClinVar:

NM_001243133.2(NLRP3):c.937A>C (p.Ile313Leu)

Gene: NLRP3 (NLR family pyrin domain containing 3; plus strand). Cytogenetic location: 1q44.
Variant type: single nucleotide variant.
Coding change: c.937A>C on transcript NM_001243133.2 (MANE Select); coding-DNA position 937, A replaced by C.
Protein change: p.Ile313Leu; replaces isoleucine 313 with leucine.
Molecular consequence: missense variant.
Genome position (GRCh38, 1-based): chr1:247,424,386, A>C. VCF-style: chr1-247424386-A-C. GRCh37 (hg19) VCF-style: chr1-247587688-A-C.
Other names: c.937A>C, p.Ile313Leu (NM_001079821.3, NM_001127461.3, NM_001127462.3 and 1 more transcripts); c.943A>C, p.Ile315Leu (NM_004895.5); short protein forms I313L, I315L.
Identifiers: ClinVar variation 1976942 (VCV001976942.5), dbSNP rs180177501, ClinGen allele CA345555750.
Genomic context (GRCh38, chr1:247,424,386, plus strand): 5'-TCCAGAATCCTCTTCCTCATGGACGGCTTCGATGAGCTGCAAGGTGCCTTTGACGAGCAC[A>C]TAGGACCGCTCTGCACTGACTGGCAGAAGGCCGAGCGGGGAGACATTCTCCTGAGCAGCC-3'
Protein context (NP_001230062.1, residues 303-323): DELQGAFDEH[Ile313Leu]GPLCTDWQKA

ClinVar aggregate classification (germline): Uncertain significance (1 of 4 stars; one submission).

Conditions:
Cryopyrin associated periodic syndrome (CAPS). Identifiers: Orphanet 208650, MedGen C2316212, MONDO:0016168.

gnomAD v4.1: 8 of 1,613,896 alleles (0.0005%); highest among the groups gnomAD compares: Non-Finnish European, 0.00068%; no homozygotes.

Submission:

Labcorp Genetics (formerly Invitae), Labcorp
Classification: Uncertain significance for Cryopyrin associated periodic syndrome. Last evaluated: 2024-10-23. Review status: criteria provided, single submitter. Criteria: Invitae Variant Classification Sherloc (09022015). Collection method: clinical testing. Allele origin: germline.
Comment: This sequence change replaces isoleucine, which is neutral and non-polar, with leucine, which is neutral and non-polar, at codon 315 of the NLRP3 protein (p.Ile315Leu). This variant is not present in population databases (gnomAD no frequency). This variant has not been reported in the literature in individuals affected with NLRP3-related conditions. ClinVar contains an entry for this variant (Variation ID: 1976942). Invitae Evidence Modeling of protein sequence and biophysical properties (such as structural, functional, and spatial information, amino acid conservation, physicochemical variation, residue mobility, and thermodynamic stability) indicates that this missense variant is not expected to disrupt NLRP3 protein function with a negative predictive value of 95%. In summary, the available evidence is currently insufficient to determine the role of this variant in disease. Therefore, it has been classified as a Variant of Uncertain Significance.